The following is an entry in ClinVar:

ClinVar aggregate classification (germline): Benign. Review status: criteria provided, single submitter (1 of 4 stars). 2 submissions from 2 submitters: Benign (1). 1 of the submissions does not count toward it. Last evaluated 2018-06-18.

Conditions:
IRX1-related disorder. Also called: IRX1-related condition.

Allele frequency attached by ClinVar (database versions not stated): gnomAD 0.00373; TOPMed 0.00518; ESP Exome Variant Server 0.00523; 1000 Genomes Project 0.00579; 1000 Genomes Project 30x 0.00593.

Submissions (2):

Labcorp Genetics (formerly Invitae), Labcorp
Classification: Benign. Last evaluated: 2018-06-18. Review status: criteria provided, single submitter. Criteria: Invitae Variant Classification Sherloc (09022015). Collection method: clinical testing. Allele origin: germline.

PreventionGenetics, part of Exact Sciences
Classification: Benign for IRX1-related condition. Last evaluated: 2019-06-18. Review status: no assertion criteria provided. Collection method: clinical testing. Allele origin: germline. Not counted in ClinVar's aggregate classification.
Comment: This variant is classified as benign based on ACMG/AMP sequence variant interpretation guidelines (Richards et al. 2015 PMID: 25741868, with internal and published modifications).

NM_024337.4(IRX1):c.1333C>A (p.Pro445Thr)

Gene: IRX1 (iroquois homeobox 1; plus strand). Cytogenetic location: 5p15.33.
Variant type: single nucleotide variant.
Coding change: c.1333C>A on transcript NM_024337.4 (MANE Select); coding-DNA position 1333, C replaced by A.
Protein change: p.Pro445Thr; replaces proline 445 with threonine.
Molecular consequence: missense variant.
Genome position (GRCh38, 1-based): chr5:3,600,629, C>A. VCF-style: chr5-3600629-C-A. GRCh37 (hg19) VCF-style: chr5-3600743-C-A.
Other names: short protein forms P445T.
Identifiers: ClinVar variation 767992 (VCV000767992.5), dbSNP rs6884950, ClinGen allele CA3189085.